The following is an entry in ClinVar:

NM_015665.6(AAAS):c.997-1G>T

Gene: AAAS (aladin WD repeat nucleoporin; minus strand). Cytogenetic location: 12q13.13.
Variant type: single nucleotide variant.
Coding change: c.997-1G>T on transcript NM_015665.6 (MANE Select); the canonical splice acceptor site of the intron before coding-DNA position 997, G replaced by T.
Molecular consequence: splice acceptor variant.
Genome position (GRCh38, 1-based): chr12:53,308,816, C>A on the plus strand (G>T on the coding strand, the complement: AAAS is on the minus strand). VCF-style: chr12-53308816-C-A. GRCh37 (hg19) VCF-style: chr12-53702600-C-A.
Other names: c.898-1G>T (NM_001173466.2).
Identifiers: ClinVar variation 2788617 (VCV002788617.3), dbSNP rs956411998, ClinGen allele CA385040864.

ClinVar aggregate classification (germline): Likely pathogenic (1 of 4 stars; one submission).

Allele frequency attached by ClinVar (database versions not stated): gnomAD exomes below 0.00001.
gnomAD v4.1: 2 of 1,614,004 alleles (0.00012%); highest among the groups gnomAD compares: Non-Finnish European, 0.00017%; no homozygotes.

Submission:

Labcorp Genetics (formerly Invitae), Labcorp
Classification: Likely pathogenic. Last evaluated: 2023-04-20. Review status: criteria provided, single submitter. Criteria: Invitae Variant Classification Sherloc (09022015). Collection method: clinical testing. Allele origin: germline.
Comment: In summary, the currently available evidence indicates that the variant is pathogenic, but additional data are needed to prove that conclusively. Therefore, this variant has been classified as Likely Pathogenic. Algorithms developed to predict the effect of sequence changes on RNA splicing suggest that this variant may disrupt the consensus splice site. This variant has not been reported in the literature in individuals affected with AAAS-related conditions. This variant is not present in population databases (gnomAD no frequency). This sequence change affects an acceptor splice site in intron 10 of the AAAS gene. It is expected to disrupt RNA splicing. Variants that disrupt the donor or acceptor splice site typically lead to a loss of protein function (PMID: 16199547), and loss-of-function variants in AAAS are known to be pathogenic (PMID: 11159947).

Literature cited by the submitters: PubMed 16199547; PubMed 11159947.